The following is an entry in ClinVar:

NM_015978.3(TNNI3K):c.1968G>A (p.Trp656Ter)

Genes: FPGT-TNNI3K (FPGT-TNNI3K readthrough; plus strand), TNNI3K (TNNI3 interacting kinase; plus strand). Cytogenetic location: 1p31.1.
Variant type: single nucleotide variant.
Coding change: c.1968G>A on transcript NM_015978.3 (MANE Select); coding-DNA position 1968, G replaced by A.
Protein change: p.Trp656Ter; replaces tryptophan 656 with a stop codon.
Molecular consequence: nonsense.
Genome position (GRCh38, 1-based): chr1:74,439,579, G>A. VCF-style: chr1-74439579-G-A. GRCh37 (hg19) VCF-style: chr1-74905263-G-A.
Other names: c.2271G>A, p.Trp757Ter (NM_001112808.3, NM_001199327.2); short protein forms W656*, W757*.
Identifiers: ClinVar variation 2841772 (VCV002841772.3), dbSNP rs1666285781, ClinGen allele CA340789917.

ClinVar aggregate classification (germline): Uncertain significance (1 of 4 stars; one submission).

Allele frequency attached by ClinVar (database versions not stated): TOPMed below 0.00001.

Submission:

Labcorp Genetics (formerly Invitae), Labcorp
Classification: Uncertain significance. Last evaluated: 2023-03-01. Review status: criteria provided, single submitter. Criteria: Invitae Variant Classification Sherloc (09022015). Collection method: clinical testing. Allele origin: germline.
Comment: In summary, the available evidence is currently insufficient to determine the role of this variant in disease. Therefore, it has been classified as a Variant of Uncertain Significance. This variant has not been reported in the literature in individuals affected with TNNI3K-related conditions. This variant is not present in population databases (gnomAD no frequency). This sequence change creates a premature translational stop signal (p.Trp656*) in the TNNI3K gene. It is expected to result in an absent or disrupted protein product. However, the current clinical and genetic evidence is not sufficient to establish whether loss-of-function variants in TNNI3K cause disease.